The following is an entry in ClinVar:

ClinVar aggregate classification (germline): Likely pathogenic (1 of 4 stars; one submission).

Conditions:
Succinate-semialdehyde dehydrogenase deficiency (SSADHD). Also called: Succinic Semialdehyde Dehydrogenase Deficiency; SSADH DEFICIENCY; 4-HYDROXYBUTYRIC ACIDURIA; GABA METABOLIC DEFECT. Identifiers: Orphanet 22, MedGen C0268631, MONDO:0010083, OMIM 271980.

Allele frequency attached by ClinVar (database versions not stated): gnomAD exomes below 0.00001.
gnomAD v4.1: 1 of 1,608,804 alleles (0.000062%); highest among the groups gnomAD compares: South Asian, 0.0011%; no homozygotes.

Submission:

Elsea Laboratory, Baylor College of Medicine
Classification: Likely pathogenic for Succinate-semialdehyde dehydrogenase deficiency. Last evaluated: 2021-03-08. Review status: criteria provided, single submitter. Criteria: Martin et al. (J Child Neurol. 2021). Collection method: curation. Allele origin: germline. Affected: yes.
Comment: NAD binding domain

Literature cited by the submitters: PubMed 25558043; PubMed 33203024.

NM_001080.3(ALDH5A1):c.754G>T (p.Gly252Cys)

Gene: ALDH5A1 (aldehyde dehydrogenase 5 family member A1; plus strand). Cytogenetic location: 6p22.3.
Variant type: single nucleotide variant.
Coding change: c.754G>T on transcript NM_001080.3 (MANE Select); coding-DNA position 754, G replaced by T.
Protein change: p.Gly252Cys; replaces glycine 252 with cysteine.
Molecular consequence: missense variant. On other transcripts: intron variant (1).
Genome position (GRCh38, 1-based): chr6:24,515,194, G>T. VCF-style: chr6-24515194-G-T. GRCh37 (hg19) VCF-style: chr6-24515422-G-T.
Other names: c.793G>T, p.Gly265Cys (NM_170740.1); c.727-5207G>T (NM_001368954.1); short protein forms G265C, G252C.
Identifiers: ClinVar variation 1878465 (VCV001878465.3), dbSNP rs2532854975, ClinGen allele CA362971562.